The following is an entry in ClinVar:

ClinVar aggregate classification (germline): Uncertain significance (0 of 4 stars; one submission).

Conditions:
NCOA1-related disorder. Also called: NCOA1-related condition.

gnomAD v4.1: 5 of 1,610,276 alleles (0.00031%); highest among the groups gnomAD compares: Middle Eastern, 0.05%; no homozygotes.

Submission:

PreventionGenetics, part of Exact Sciences
Classification: Uncertain significance for NCOA1-related condition. Last evaluated: 2024-05-16. Review status: no assertion criteria provided. Collection method: clinical testing. Allele origin: germline.
Comment: The NCOA1 c.2675C>T variant is predicted to result in the amino acid substitution p.Thr892Ile. To our knowledge, this variant has not been reported in the literature or in a large population database, indicating this variant is rare. At this time, the clinical significance of this variant is uncertain due to the absence of conclusive functional and genetic evidence.

NM_003743.5(NCOA1):c.2675C>T (p.Thr892Ile)

Gene: NCOA1 (nuclear receptor coactivator 1; plus strand). Cytogenetic location: 2p23.3.
Variant type: single nucleotide variant.
Coding change: c.2675C>T on transcript NM_003743.5 (MANE Select); coding-DNA position 2675, C replaced by T.
Protein change: p.Thr892Ile; replaces threonine 892 with isoleucine.
Molecular consequence: missense variant.
Genome position (GRCh38, 1-based): chr2:24,726,664, C>T. VCF-style: chr2-24726664-C-T. GRCh37 (hg19) VCF-style: chr2-24949533-C-T.
Other names: c.2675C>T, p.Thr892Ile (NM_001362950.1, NM_001362952.1, NM_001362954.1 and 3 more transcripts); short protein forms T892I.
Identifiers: ClinVar variation 3358717 (VCV003358717.1).